The following is an entry in ClinVar:

ClinVar aggregate classification (germline): Likely benign (0 of 4 stars; one submission).

Conditions:
PTPRS-related disorder. Also called: PTPRS-related condition.

Allele frequency attached by ClinVar (database versions not stated): gnomAD exomes 0.00001; TOPMed 0.00003; gnomAD 0.00005; ExAC 0.00006.
gnomAD v4.1: 51 of 1,614,056 alleles (0.0032%); highest among the groups gnomAD compares: South Asian, 0.02%; 4 homozygotes.

Submission:

PreventionGenetics, part of Exact Sciences
Classification: Likely benign for PTPRS-related condition. Last evaluated: 2023-04-20. Review status: no assertion criteria provided. Collection method: clinical testing. Allele origin: germline.
Comment: This variant is classified as likely benign based on ACMG/AMP sequence variant interpretation guidelines (Richards et al. 2015 PMID: 25741868, with internal and published modifications).

NM_002850.4(PTPRS):c.870C>T (p.Asp290=)

Gene: PTPRS (protein tyrosine phosphatase receptor type S; minus strand). Cytogenetic location: 19p13.3.
Variant type: single nucleotide variant.
Coding change: c.870C>T on transcript NM_002850.4 (MANE Select); coding-DNA position 870, C replaced by T.
Protein change: p.Asp290=; no amino-acid change (aspartic acid 290 retained).
Molecular consequence: synonymous variant.
Genome position (GRCh38, 1-based): chr19:5,245,894, G>A on the plus strand (C>T on the coding strand, the complement: PTPRS is on the minus strand). VCF-style: chr19-5245894-G-A. GRCh37 (hg19) VCF-style: chr19-5245905-G-A.
Other names: c.831C>T, p.Asp277= (NM_001394011.1, NM_001394012.1, NM_001394013.1 and 2 more transcripts); c.843C>T, p.Asp281= (NM_130855.3).
Identifiers: ClinVar variation 3043103 (VCV003043103.2), dbSNP rs538910855, ClinGen allele CA9110483.